The following is an entry in ClinVar:

ClinVar aggregate classification (germline): Pathogenic/Likely pathogenic. Review status: criteria provided, multiple submitters, no conflicts (2 of 4 stars). 5 submissions from 5 submitters: Pathogenic (4); Likely pathogenic (1). Last evaluated 2024-06-03.

Conditions:
Lynch syndrome 5 (LYNCH5). Also called: Colorectal cancer, hereditary nonpolyposis, type 5; Hereditary non-polyposis colorectal cancer, type 5. Identifiers: Orphanet 144, MedGen C1833477, MONDO:0013710, OMIM 614350. Disease mechanism: loss of function.
Hereditary nonpolyposis colorectal neoplasms. Identifiers: MedGen C0009405, MeSH D003123.
Hereditary cancer-predisposing syndrome. Also called: Neoplastic Syndromes, Hereditary; Tumor predisposition; Hereditary Cancer Syndrome; Hereditary neoplastic syndrome. Identifiers: Orphanet 140162, MedGen C0027672, MeSH D009386, MONDO:0015356.

Submissions (5):

Labcorp Genetics (formerly Invitae), Labcorp
Classification: Pathogenic for Hereditary nonpolyposis colorectal neoplasms. Last evaluated: 2024-06-03. Review status: criteria provided, single submitter. Criteria: Invitae Variant Classification Sherloc (09022015). Collection method: clinical testing. Allele origin: germline.
Comment: This sequence change creates a premature translational stop signal (p.Tyr1006*) in the MSH6 gene. It is expected to result in an absent or disrupted protein product. Loss-of-function variants in MSH6 are known to be pathogenic (PMID: 18269114, 24362816). This variant is not present in population databases (gnomAD no frequency). This variant has not been reported in the literature in individuals affected with MSH6-related conditions. ClinVar contains an entry for this variant (Variation ID: 525587). For these reasons, this variant has been classified as Pathogenic.

Myriad Genetics, Inc.
Classification: Pathogenic for Lynch syndrome 5. Last evaluated: 2023-08-22. Review status: criteria provided, single submitter. Criteria: Myriad Autosomal Dominant, Autosomal Recessive and X-Linked Classification Criteria (2023). Collection method: clinical testing. Allele origin: unknown.
Comment: This variant is considered pathogenic. This variant creates a termination codon and is predicted to result in premature protein truncation.

GeneDx
Classification: Pathogenic. Last evaluated: 2020-01-14. Review status: criteria provided, single submitter. Criteria: GeneDx Variant Classification Process June 2021. Collection method: clinical testing. Allele origin: germline. Affected: yes.
Comment: Nonsense variant predicted to result in protein truncation or nonsense mediated decay in a gene for which loss-of-function is a known mechanism of disease; Not observed in large population cohorts (Lek 2016); Truncating variants in this gene are considered pathogenic by a well-established clinical consortium and/or database; Has not been previously published as pathogenic or benign to our knowledge

Ambry Genetics
Classification: Pathogenic for Hereditary cancer-predisposing syndrome. Last evaluated: 2020-01-03. Review status: criteria provided, single submitter. Criteria: Ambry Variant Classification Scheme 2023. Collection method: clinical testing. Allele origin: germline.
Comment: The p.Y1006* pathogenic mutation (also known as c.3018C>A), located in coding exon 4 of the MSH6 gene, results from a C to A substitution at nucleotide position 3018. This changes the amino acid from a tyrosine to a stop codon within coding exon 4. This alteration is expected to result in loss of function by premature protein truncation or nonsense-mediated mRNA decay. As such, this alteration is interpreted as a disease-causing mutation.

Mendelics
Classification: Likely pathogenic for Lynch syndrome 5. Last evaluated: 2019-05-28. Review status: criteria provided, single submitter. Criteria: Mendelics Assertion Criteria 2017. Collection method: clinical testing. Allele origin: unknown.

Literature cited by the submitters: PubMed 18269114 (cited by Labcorp Genetics (formerly Invitae), Labcorp); PubMed 24362816 (cited by Labcorp Genetics (formerly Invitae), Labcorp).

NM_000179.3(MSH6):c.3018C>A (p.Tyr1006Ter)

Gene: MSH6 (mutS homolog 6; plus strand). Cytogenetic location: 2p16.3.
Variant type: single nucleotide variant.
Coding change: c.3018C>A on transcript NM_000179.3 (MANE Select); coding-DNA position 3018, C replaced by A.
Protein change: p.Tyr1006Ter; replaces tyrosine 1006 with a stop codon.
Molecular consequence: nonsense.
Genome position (GRCh38, 1-based): chr2:47,801,001, C>A. VCF-style: chr2-47801001-C-A. GRCh37 (hg19) VCF-style: chr2-48028140-C-A.
Other names: c.2628C>A, p.Tyr876Ter (NM_001281492.2); c.2112C>A, p.Tyr704Ter (NM_001281493.2, NM_001281494.2); short protein forms Y1006*, Y704*, Y876*.
Identifiers: ClinVar variation 525587 (VCV000525587.14), dbSNP rs1553414395, ClinGen allele CA346756433.